The following is an entry in ClinVar:

ClinVar aggregate classification (germline): Likely benign (1 of 4 stars; one submission).

Allele frequency attached by ClinVar (database versions not stated): gnomAD 0.00001 and 0.00002; gnomAD exomes 0.00002; TOPMed 0.00003; ExAC 0.00021.
gnomAD v4.1: 35 of 1,292,222 alleles (0.0027%); highest among the groups gnomAD compares: Non-Finnish European, 0.0011%; no homozygotes.

Submission:

GeneDx
Classification: Likely benign. Last evaluated: 2017-07-10. Review status: criteria provided, single submitter. Criteria: GeneDx Variant Classification (06012015). Collection method: clinical testing. Allele origin: germline. Affected: yes.
Comment: This variant is considered likely benign or benign based on one or more of the following criteria: it is a conservative change, it occurs at a poorly conserved position in the protein, it is predicted to be benign by multiple in silico algorithms, and/or has population frequency not consistent with disease.

NM_031443.4(CCM2):c.30+6C>T

Genes: CCM2 (CCM2 scaffold protein; plus strand), LOC129998395 (ATAC-STARR-seq lymphoblastoid silent region 18162; plus strand). Cytogenetic location: 7p13.
Variant type: single nucleotide variant.
Coding change: c.30+6C>T on transcript NM_031443.4 (MANE Select); 6 bases into the intron after coding-DNA position 30, C replaced by T.
Molecular consequence: intron variant.
Genome position (GRCh38, 1-based): chr7:45,000,369, C>T. VCF-style: chr7-45000369-C-T. GRCh37 (hg19) VCF-style: chr7-45039968-C-T.
Other names: c.30+6C>T (NM_001363458.2, NM_001167935.2, NM_001363459.2 and 1 more transcripts).
Identifiers: ClinVar variation 517106 (VCV000517106.1), dbSNP rs763210611, ClinGen allele CA4246820.